The following is an entry in ClinVar:

ClinVar aggregate classification (germline): Likely pathogenic (1 of 4 stars; one submission).

Conditions:
Primary ciliary dyskinesia 3. Identifiers: Orphanet 244, MedGen C1837618, MONDO:0012085, OMIM 608644.

Submission:

Myriad Genetics, Inc.
Classification: Likely pathogenic for Primary ciliary dyskinesia 3. Last evaluated: 2021-12-10. Review status: criteria provided, single submitter. Criteria: Myriad Women's Health Autosomal Recessive and X-Linked Classification Criteria (2021). Collection method: clinical testing. Allele origin: unknown.
Comment: NM_001369.2(DNAH5):c.1750_1751ins13(G584Vfs*7) is expected to be pathogenic in the context of DNAH5-related primary ciliary dyskinesia. This variant is predicted to lead to an abnormal or absent protein product due to the creation of a premature termination codon in DNAH5, a gene where loss-of-function variants are known to be pathogenic. Please note: this variant was assessed in the context of healthy population screening.

NM_001369.3(DNAH5):c.1750_1751insTGTATAAGAGACA (p.Gly584fs)

Gene: DNAH5 (dynein axonemal heavy chain 5; minus strand). Cytogenetic location: 5p15.2.
Variant type: Insertion.
Coding change: c.1750_1751insTGTATAAGAGACA on transcript NM_001369.3 (MANE Select); coding-DNA positions 1750 to 1751, TGTATAAGAGACA inserted.
Protein change: p.Gly584fs; shifts the reading frame from glycine 584.
Molecular consequence: frameshift variant.
Genome position: GRCh38 VCF-style: chr5-13901553-C-CTGTCTCTTATACA. GRCh37 (hg19) VCF-style: chr5-13901662-C-CTGTCTCTTATACA.
Other names: short protein forms G584fs.
Identifiers: ClinVar variation 1726279 (VCV001726279.2), dbSNP rs2547093213, ClinGen allele CA2580072084.